The following is an entry in ClinVar:

NM_004187.5(KDM5C):c.917C>T (p.Thr306Ile)

Gene: KDM5C (lysine demethylase 5C; minus strand). Cytogenetic location: Xp11.22.
Variant type: single nucleotide variant.
Coding change: c.917C>T on transcript NM_004187.5 (MANE Select); coding-DNA position 917, C replaced by T.
Protein change: p.Thr306Ile; replaces threonine 306 with isoleucine.
Molecular consequence: missense variant. On other transcripts: non-coding transcript variant (3).
Genome position (GRCh38, 1-based): chrX:53,215,841, G>A on the plus strand (C>T on the coding strand, the complement: KDM5C is on the minus strand). VCF-style: chrX-53215841-G-A. GRCh37 (hg19) VCF-style: chrX-53245023-G-A.
Other names: c.716C>T, p.Thr239Ile (NM_001146702.2); c.914C>T, p.Thr305Ile (NM_001282622.3, NM_001353979.2, NM_001353982.2); c.917C>T, p.Thr306Ile (NM_001353978.3, NM_001353981.2, NM_001353984.2); short protein forms T239I, T305I, T306I.
Identifiers: ClinVar variation 1806105 (VCV001806105.2), dbSNP rs2519550612, ClinGen allele CA413132839.

ClinVar aggregate classification (germline): Uncertain significance (1 of 4 stars; one submission).

Conditions:
Intellectual developmental disorder, X-linked, syndromic, Claes-Jensen type. Also called: INTELLECTUAL DEVELOPMENTAL DISORDER, X-LINKED, SYNDROMIC 16; MENTAL RETARDATION, X-LINKED, SYNDROMIC 16; Syndromic X-linked intellectual disability Claes-Jensen type. Identifiers: Orphanet 85279, MedGen C1845243, MONDO:0010355, OMIM 300534.

Submission:

Victorian Clinical Genetics Services, Murdoch Childrens Research Institute
Classification: Uncertain significance for Intellectual developmental disorder, X-linked, syndromic, Claes-Jensen type. Last evaluated: 2020-10-19. Review status: criteria provided, single submitter. Criteria: ACMG Guidelines, 2015. Collection method: clinical testing. Allele origin: germline. Inheritance: X-linked recessive inheritance. Affected: yes.
Comment: Based on the classification scheme VCGS_Germline_v1.3.3, this variant is classified as 3B-VUS. Following criteria are met: 0102 - Loss of function is a known mechanism of disease in this gene and is associated with KDM5C-related intellectual disability syndrome. (I) 0109 - This gene is associated with X-linked recessive disease. (I) 0200 - Variant is predicted to result in a missense amino acid change from threonine to isoleucine. (I) 0253 - This variant is hemizygous. (I) 0301 - Variant is absent from gnomAD (both v2 and v3). (SP) 0502 - Missense variant with conflicting in silico predictions and uninformative conservation. (I) 0604 - Variant is not located in an established domain, motif, hotspot or informative constraint region. However, this variant is a phosphosite (Protein Data Bank). (I) 0705 - No comparable missense variants have previous evidence for pathogenicity. (I) 0807 - This variant has no previous evidence of pathogenicity. (I) 0905 - No published segregation evidence has been identified for this variant. (I) 1007 - No published functional evidence has been identified for this variant. (I) 1208 - Inheritance information for this variant is not currently available in this individual. (I) Legend: (SP) - Supporting pathogenic, (I) - Information, (SB) - Supporting benign